The following is an entry in ClinVar:

ClinVar aggregate classification (germline): Uncertain significance (1 of 4 stars; one submission).

Conditions:
Drash syndrome (DDS). Also called: NEPHROPATHY, WILMS TUMOR, AND GENITAL ANOMALIES; WILMS TUMOR AND PSEUDO- OR TRUE HERMAPHRODITISM. Identifiers: Orphanet 220, MedGen C0950121, MONDO:0008682, OMIM 194080.
Wilms tumor 1 (WT1). Also called: Wilms tumor, somatic. Identifiers: Orphanet 654, MedGen CN033288, MONDO:0008679, OMIM 194070.
11p partial monosomy syndrome (WAGR). Also called: CHROMOSOME 11p13 DELETION SYNDROME; WAGR Spectrum Disorder; WAGR syndrome; WAGR Complex. Identifiers: Orphanet 893, MedGen C0206115, MONDO:0008681, OMIM 194072.
Frasier syndrome. Identifiers: Orphanet 347, MedGen C0950122, MeSH D052159, MONDO:0007635, OMIM 136680.

Submission:

Labcorp Genetics (formerly Invitae), Labcorp
Classification: Uncertain significance for Wilms tumor 1; Drash syndrome; 11p partial monosomy syndrome; Frasier syndrome. Last evaluated: 2023-04-10. Review status: criteria provided, single submitter. Criteria: Invitae Variant Classification Sherloc (09022015). Collection method: clinical testing. Allele origin: germline.
Comment: This sequence change replaces leucine, which is neutral and non-polar, with phenylalanine, which is neutral and non-polar, at codon 349 of the WT1 protein (p.Leu349Phe). In summary, the available evidence is currently insufficient to determine the role of this variant in disease. Therefore, it has been classified as a Variant of Uncertain Significance. Advanced modeling of protein sequence and biophysical properties (such as structural, functional, and spatial information, amino acid conservation, physicochemical variation, residue mobility, and thermodynamic stability) performed at Invitae indicates that this missense variant is not expected to disrupt WT1 protein function. This variant has not been reported in the literature in individuals affected with WT1-related conditions. This variant is not present in population databases (gnomAD no frequency).

NM_024426.6(WT1):c.1060C>T (p.Leu354Phe)

Gene: WT1 (WT1 transcription factor; minus strand). Cytogenetic location: 11p13.
Variant type: single nucleotide variant.
Coding change: c.1060C>T on transcript NM_024426.6 (MANE Select); coding-DNA position 1060, C replaced by T.
Protein change: p.Leu354Phe; replaces leucine 354 with phenylalanine.
Molecular consequence: missense variant. On other transcripts: 5 prime UTR variant (1), non-coding transcript variant (2).
Genome position (GRCh38, 1-based): chr11:32,400,001, G>A on the plus strand (C>T on the coding strand, the complement: WT1 is on the minus strand). VCF-style: chr11-32400001-G-A. GRCh37 (hg19) VCF-style: chr11-32421547-G-A.
Other names: c.1009C>T, p.Leu337Phe (NM_000378.6, NM_001407045.1, NM_001407048.1 and 1 more transcripts); c.409C>T, p.Leu137Phe (NM_001198551.2); c.358C>T, p.Leu120Phe (NM_001198552.2); c.-129C>T (NM_001367854.1); c.1054C>T, p.Leu352Phe (NM_001407044.1); c.1060C>T, p.Leu354Phe (NM_001407046.1, NM_024424.5); c.937C>T, p.Leu313Phe (NM_001407047.1); c.886C>T, p.Leu296Phe (NM_001407050.1); and 2 more; short protein forms L100F, L313F, L137F, L296F, L349F, L352F, L120F, L332F.
Identifiers: ClinVar variation 2928271 (VCV002928271.3), dbSNP rs2132958238, ClinGen allele CA379960411.
Genomic context (GRCh38, chr11:32,400,001, plus strand): 5'-TGCTCACCTGAATGCCTCTGAAGACACCGTGCGTGTGTATTCTGTATTGGGCTCCGCAGA[G>A]GATGGGCGTTGTGTGGTTATCGCTCTCGTACCCTGTGCTGTGGCTGCAAACACAAAGAAG-3'
Protein context (NP_077744.4, residues 344-364): YESDNHTTPI[Leu354Phe]CGAQYRIHTH